The following is an entry in ClinVar:

NM_000531.6(OTC):c.791C>T (p.Thr264Ile)

Gene: OTC (ornithine transcarbamylase; plus strand). Cytogenetic location: Xp11.4.
Variant type: single nucleotide variant.
Coding change: c.791C>T on transcript NM_000531.6 (MANE Select); coding-DNA position 791, C replaced by T.
Protein change: p.Thr264Ile; replaces threonine 264 with isoleucine.
Molecular consequence: missense variant.
Genome position (GRCh38, 1-based): chrX:38,408,949, C>T. VCF-style: chrX-38408949-C-T. GRCh37 (hg19) VCF-style: chrX-38268202-C-T.
Other names: short protein forms T264I.
Identifiers: ClinVar variation 97328 (VCV000097328.3), dbSNP rs67156896, ClinGen allele CA224792.
Genomic context (GRCh38, chrX:38,408,949, plus strand): 5'-TGTTGCTGACAAATGATCCATTGGAAGCAGCGCATGGAGGCAATGTATTAATTACAGACA[C>T]TTGGATAAGCATGGGACAAGAAGAGGAGAAGAAAAAGCGGCTCCAGGCTTTCCAAGGTTA-3'
Protein context (NP_000522.3, residues 254-274): AHGGNVLITD[Thr264Ile]WISMGQEEEK

ClinVar aggregate classification (germline): Uncertain significance. Review status: criteria provided, single submitter (1 of 4 stars). 2 submissions from 2 submitters: Uncertain significance (1). 1 of the submissions does not count toward it. Last evaluated 2021-09-02.

Submissions (2):

Women's Health and Genetics/Laboratory Corporation of America, LabCorp
Classification: Uncertain significance. Last evaluated: 2021-09-02. Review status: criteria provided, single submitter. Criteria: LabCorp Variant Classification Summary - May 2015. Collection method: clinical testing. Allele origin: germline.
Comment: Variant summary: OTC c.791C>T (p.Thr264Ile) results in a non-conservative amino acid change located in the Aspartate/ornithine carbamoyltransferase, Asp/Orn-binding domain (IPR006131) of the encoded protein sequence. Five of five in-silico tools predict a damaging effect of the variant on protein function. The variant was absent in 183176 control chromosomes. The available data on variant occurrences in the general population are insufficient to allow any conclusion about variant significance. c.791C>T has been reported in the literature in at-least one Japanese individual affected with Ornithine Transcarbamylase Deficiency and has been subsequently cited by others (Shimadzu_1998, Kido_2021, Caldovic_2015). These data do not allow any conclusion about variant significance. To our knowledge, no experimental evidence demonstrating an impact on protein function has been reported. No clinical diagnostic laboratories have submitted clinical-significance assessments for this variant to ClinVar after 2014. Based on the evidence outlined above, the variant was classified as uncertain significance.

GenMed Metabolism Lab
Classification: Pathogenic. Review status: no assertion criteria provided. Collection method: not provided. Allele origin: unknown. Not counted in ClinVar's aggregate classification.
Comment: p.Thr264Ile, Late
ClinVar note: Converted during submission from pathogenic to Pathogenic.

Literature cited by the submitters: PubMed 26059767 (cited by Women's Health and Genetics/Laboratory Corporation of America, LabCorp); PubMed 9452024 (cited by Women's Health and Genetics/Laboratory Corporation of America, LabCorp); PubMed 33851512 (cited by Women's Health and Genetics/Laboratory Corporation of America, LabCorp).